The following is an entry in ClinVar:

ClinVar aggregate classification (germline): Likely pathogenic (1 of 4 stars; one submission).

Conditions:
Bainbridge-Ropers syndrome. Also called: Severe feeding difficulties-failure to thrive-microcephaly due to ASXL3 deficiency syndrome. Identifiers: Orphanet 352577, MedGen C4750837, MONDO:0014205, OMIM 615485.

Submission:

New York Genome Center
Classification: Likely pathogenic for Bainbridge-Ropers syndrome. Last evaluated: 2021-04-23. Review status: criteria provided, single submitter. Criteria: NYGC Assertion Criteria 2020. Collection method: clinical testing. Allele origin: de novo. Observed: 1 heterozygote. Study: CSER-NYCKidSeq.
Comment: The de novo c.2002del (p.Thr668LeufsTer9) variant identified in the ASXL3 gene is the deletion of a single nucleotide, resulting in a frameshift of the protein at amino acid 668/2249 (exon 11/12). This variant is absent from gnomAD(v3.1.1) suggesting it is not a common benign variant in the populations represented in that database. This variant is absent from ClinVar and to our current knowledge has not been reported in affected individuals in the literature, however many nonsense and frameshift variants in this region as well as C-terminal to the p.Thr668 residue have been reported in affected individuals [PMID:33242595; PMID: 33751773; PMID: 28100473]. Pathogenic variants in ASXL3 have been found to cluster in two regions, the 5’ mutational cluster region in exon 11 where the variant identified here is located, and in the 3’ mutational cluster region C-terminal to the variant identified here [PMID:33242595; PMID: 28100473]. Given its presence de novo in this individual, its deleterious nature, and absence in population databases, the c.2002del (p.Thr668LeufsTer9) variant in the ASXL3 gene is reported as Likely Pathogenic.

NM_030632.3(ASXL3):c.2002del (p.Thr668fs)

Gene: ASXL3 (ASXL transcriptional regulator 3; plus strand). Cytogenetic location: 18q12.1.
Variant type: Deletion.
Coding change: c.2002del on transcript NM_030632.3 (MANE Select); coding-DNA position 2002, one base deleted (A; older notation c.2002delA).
Protein change: p.Thr668fs; shifts the reading frame from threonine 668.
Molecular consequence: frameshift variant.
Genome position (GRCh38, 1-based): chr18:33,739,406, A deleted. VCF-style (leftmost placement, unchanged base first): chr18-33739405-CA-C. GRCh37 (hg19) VCF-style: chr18-31319369-CA-C.
Other names: short protein forms T668fs.
Identifiers: ClinVar variation 1679658 (VCV001679658.1), dbSNP rs2145414409, ClinGen allele CA2573155244.